The following is an entry in ClinVar:

ClinVar aggregate classification (germline): Uncertain significance (1 of 4 stars; one submission).

Conditions:
Succinate-semialdehyde dehydrogenase deficiency (SSADHD). Also called: GABA METABOLIC DEFECT; 4-HYDROXYBUTYRIC ACIDURIA; SSADH DEFICIENCY; Succinic Semialdehyde Dehydrogenase Deficiency. Identifiers: Orphanet 22, MedGen C0268631, MONDO:0010083, OMIM 271980.

gnomAD v4.1: 1 of 1,613,878 alleles (0.000062%); highest among the groups gnomAD compares: Non-Finnish European, 0.000085%; no homozygotes.

Submission:

Labcorp Genetics (formerly Invitae), Labcorp
Classification: Uncertain significance for Succinate-semialdehyde dehydrogenase deficiency. Last evaluated: 2019-12-02. Review status: criteria provided, single submitter. Criteria: Invitae Variant Classification Sherloc (09022015). Collection method: clinical testing. Allele origin: germline.
Comment: This sequence change replaces cysteine with tryptophan at codon 340 of the ALDH5A1 protein (p.Cys340Trp). The cysteine residue is highly conserved and there is a large physicochemical difference between cysteine and tryptophan. This variant is not present in population databases (ExAC no frequency). This variant has not been reported in the literature in individuals with ALDH5A1-related disease. Algorithms developed to predict the effect of missense changes on protein structure and function (SIFT, PolyPhen-2, Align-GVGD) all suggest that this variant is likely to be disruptive, but these predictions have not been confirmed by published functional studies and their clinical significance is uncertain. In summary, the available evidence is currently insufficient to determine the role of this variant in disease. Therefore, it has been classified as a Variant of Uncertain Significance.

NM_001080.3(ALDH5A1):c.1020T>G (p.Cys340Trp)

Gene: ALDH5A1 (aldehyde dehydrogenase 5 family member A1; plus strand). Cytogenetic location: 6p22.3.
Variant type: single nucleotide variant.
Coding change: c.1020T>G on transcript NM_001080.3 (MANE Select); coding-DNA position 1020, T replaced by G.
Protein change: p.Cys340Trp; replaces cysteine 340 with tryptophan.
Molecular consequence: missense variant.
Genome position (GRCh38, 1-based): chr6:24,522,772, T>G. VCF-style: chr6-24522772-T-G. GRCh37 (hg19) VCF-style: chr6-24523000-T-G.
Other names: c.876T>G, p.Cys292Trp (NM_001368954.1); c.1059T>G, p.Cys353Trp (NM_170740.1); short protein forms C353W, C340W, C292W.
Identifiers: ClinVar variation 529484 (VCV000529484.9), dbSNP rs887448536, ClinGen allele CA136135966.